The following is an entry in ClinVar:

NM_000256.3(MYBPC3):c.244A>G (p.Ile82Val)

Gene: MYBPC3 (myosin binding protein C3; minus strand). Cytogenetic location: 11p11.2.
Variant type: single nucleotide variant.
Coding change: c.244A>G on transcript NM_000256.3 (MANE Select); coding-DNA position 244, A replaced by G.
Protein change: p.Ile82Val; replaces isoleucine 82 with valine.
Molecular consequence: missense variant.
Genome position (GRCh38, 1-based): chr11:47,351,287, T>C on the plus strand (A>G on the coding strand, the complement: MYBPC3 is on the minus strand). VCF-style: chr11-47351287-T-C. GRCh37 (hg19) VCF-style: chr11-47372838-T-C.
Other names: short protein forms I82V.
Identifiers: ClinVar variation 1331961 (VCV001331961.4), dbSNP rs1470947124, ClinGen allele CA380341617.

ClinVar aggregate classification (germline): Uncertain significance. Review status: criteria provided, multiple submitters, no conflicts (2 of 4 stars). 2 submissions from 2 submitters: Uncertain significance (2). Last evaluated 2025-08-22.

Conditions:
Hypertrophic cardiomyopathy. Also called: HYPERTROPHIC MYOCARDIOPATHY. Identifiers: Orphanet 217569, MedGen C0007194, MeSH D002312, MONDO:0005045, HP:0001639.
Cardiomyopathy (CMYO). Also called: Cardiomyopathies. Identifiers: Orphanet 167848, MedGen C0878544, MONDO:0004994, HP:0001638. Inheritance: Various modes of inheritance.

Allele frequency attached by ClinVar (database versions not stated): gnomAD exomes below 0.00001 and 0.00001; TOPMed below 0.00001; gnomAD 0.00001.
gnomAD v4.1: 3 of 1,519,336 alleles (0.0002%); highest among the groups gnomAD compares: Admixed American, 0.0039%; no homozygotes.

Submissions (2):

Labcorp Genetics (formerly Invitae), Labcorp
Classification: Uncertain significance for Hypertrophic cardiomyopathy. Last evaluated: 2025-08-22. Review status: criteria provided, single submitter. Criteria: Invitae Variant Classification Sherloc (09022015). Collection method: clinical testing. Allele origin: germline.
Comment: This sequence change replaces isoleucine, which is neutral and non-polar, with valine, which is neutral and non-polar, at codon 82 of the MYBPC3 protein (p.Ile82Val). The frequency data for this variant in the population databases is considered unreliable, as metrics indicate poor data quality at this position in the gnomAD database. This variant has not been reported in the literature in individuals affected with MYBPC3-related conditions. ClinVar contains an entry for this variant (Variation ID: 1331961). An algorithm developed to predict the effect of missense changes on protein structure and function (PolyPhen-2) suggests that this variant is likely to be disruptive. In summary, the available evidence is currently insufficient to determine the role of this variant in disease. Therefore, it has been classified as a Variant of Uncertain Significance.

Color Diagnostics, LLC DBA Color Health
Classification: Uncertain significance for Cardiomyopathy. Last evaluated: 2024-03-06. Review status: criteria provided, single submitter. Criteria: ACMG Guidelines, 2015. Collection method: clinical testing. Allele origin: germline.
Comment: This missense variant replaces isoleucine with valine at codon 82 of the MYBPC3 protein. Computational prediction suggests that this variant may not impact protein structure and function (internally defined REVEL score threshold <= 0.5, PMID: 27666373). To our knowledge, functional studies have not been reported for this variant. This variant has not been reported in individuals affected with cardiovascular disorders in the literature. This variant has been identified in 1/185956 chromosomes in the general population by the Genome Aggregation Database (gnomAD). The available evidence is insufficient to determine the role of this variant in disease conclusively. Therefore, this variant is classified as a Variant of Uncertain Significance.